The following is an entry in ClinVar:

ClinVar aggregate classification (germline): Uncertain significance (1 of 4 stars; one submission).

Submission:

Ambry Genetics
Classification: Uncertain significance. Last evaluated: 2024-09-02. Review status: criteria provided, single submitter. Criteria: Ambry Variant Classification Scheme 2023. Collection method: clinical testing. Allele origin: germline.
Comment: The p.S1045R variant (also known as c.3133A>C), located in coding exon 28 of the KIF1B gene, results from an A to C substitution at nucleotide position 3133. The serine at codon 1045 is replaced by arginine, an amino acid with dissimilar properties. This amino acid position is conserved. In addition, this alteration is predicted to be tolerated by in silico analysis. Based on the available evidence, the clinical significance of this variant remains unclear.

NM_001365951.3(KIF1B):c.3271A>C (p.Ser1091Arg)

Gene: KIF1B (kinesin family member 1B; plus strand). Cytogenetic location: 1p36.22.
Variant type: single nucleotide variant.
Coding change: c.3271A>C on transcript NM_001365951.3 (MANE Select); coding-DNA position 3271, A replaced by C.
Protein change: p.Ser1091Arg; replaces serine 1091 with arginine.
Molecular consequence: missense variant.
Genome position (GRCh38, 1-based): chr1:10,337,382, A>C. VCF-style: chr1-10337382-A-C. GRCh37 (hg19) VCF-style: chr1-10397440-A-C.
Other names: c.3271A>C, p.Ser1091Arg (NM_001365952.1); c.3133A>C, p.Ser1045Arg (NM_015074.3); short protein forms S1091R, S1045R.
Identifiers: ClinVar variation 3533861 (VCV003533861.1).